The following is an entry in ClinVar:

NM_032119.4(ADGRV1):c.16103T>C (p.Ile5368Thr)

Gene: ADGRV1 (adhesion G protein-coupled receptor V1; plus strand). Cytogenetic location: 5q14.3.
Variant type: single nucleotide variant.
Coding change: c.16103T>C on transcript NM_032119.4 (MANE Select); coding-DNA position 16103, T replaced by C.
Protein change: p.Ile5368Thr; replaces isoleucine 5368 with threonine.
Molecular consequence: missense variant. On other transcripts: non-coding transcript variant (1).
Genome position (GRCh38, 1-based): chr5:90,815,643, T>C. VCF-style: chr5-90815643-T-C. GRCh37 (hg19) VCF-style: chr5-90111460-T-C.
Other names: short protein forms I5368T.
Identifiers: ClinVar variation 1352612 (VCV001352612.6), dbSNP rs750169745, ClinGen allele CA360412352.

ClinVar aggregate classification (germline): Uncertain significance (1 of 4 stars; one submission).

Allele frequency attached by ClinVar (database versions not stated): gnomAD exomes below 0.00001; TOPMed below 0.00001.
gnomAD v4.1: 2 of 1,572,204 alleles (0.00013%); highest among the groups gnomAD compares: Non-Finnish European, 0.00017%; no homozygotes.

Submission:

Labcorp Genetics (formerly Invitae), Labcorp
Classification: Uncertain significance. Last evaluated: 2023-12-07. Review status: criteria provided, single submitter. Criteria: Invitae Variant Classification Sherloc (09022015). Collection method: clinical testing. Allele origin: germline.
Comment: This sequence change replaces isoleucine, which is neutral and non-polar, with threonine, which is neutral and polar, at codon 5368 of the ADGRV1 protein (p.Ile5368Thr). This variant is not present in population databases (gnomAD no frequency). This variant has not been reported in the literature in individuals affected with ADGRV1-related conditions. ClinVar contains an entry for this variant (Variation ID: 1352612). Advanced modeling of protein sequence and biophysical properties (such as structural, functional, and spatial information, amino acid conservation, physicochemical variation, residue mobility, and thermodynamic stability) performed at Invitae indicates that this missense variant is not expected to disrupt ADGRV1 protein function with a negative predictive value of 80%. In summary, the available evidence is currently insufficient to determine the role of this variant in disease. Therefore, it has been classified as a Variant of Uncertain Significance.